The following is an entry in ClinVar:

ClinVar aggregate classification (germline): Conflicting classifications of pathogenicity. Review status: criteria provided, conflicting classifications (1 of 4 stars). 4 submissions from 4 submitters: Uncertain significance (1); Benign (2); Likely benign (1). Last evaluated 2025-05-26.

Conditions:
NEFH-related disorder. Also called: NEFH-related condition.
Inborn genetic diseases. Identifiers: MedGen C0950123, MeSH D030342.

Allele frequency attached by ClinVar (database versions not stated): gnomAD 0.00042 and 0.00044; 1000 Genomes Project 0.00060; 1000 Genomes Project 30x 0.00062; gnomAD exomes 0.00009; ExAC 0.00012; ESP Exome Variant Server 0.00023; TOPMed 0.00040.
gnomAD v4.1: 137 of 1,612,828 alleles (0.0085%); highest among the groups gnomAD compares: African/African-American, 0.13%; no homozygotes.

Submissions (4):

Labcorp Genetics (formerly Invitae), Labcorp
Classification: Benign. Last evaluated: 2025-05-26. Review status: criteria provided, single submitter. Criteria: Invitae Variant Classification Sherloc (09022015). Collection method: clinical testing. Allele origin: germline.

PreventionGenetics, part of Exact Sciences
Classification: Uncertain significance for NEFH-related condition. Last evaluated: 2023-04-18. Review status: criteria provided, single submitter. Criteria: ACMG Guidelines, 2015. Collection method: clinical testing. Allele origin: germline.
Comment: The NEFH c.1739C>T variant is predicted to result in the amino acid substitution p.Ser580Phe. To our knowledge, this variant has not been reported in the literature. This variant is reported in 0.12% of alleles in individuals of African descent in gnomAD. Although we suspect that this variant may be benign, at this time, the clinical significance of this variant is uncertain due to the absence of conclusive functional and genetic evidence.

Ambry Genetics
Classification: Likely benign for Inborn genetic diseases. Last evaluated: 2020-03-24. Review status: criteria provided, single submitter. Criteria: Ambry Variant Classification Scheme 2023. Collection method: clinical testing. Allele origin: germline.

Breakthrough Genomics
Classification: Benign. Review status: criteria provided, single submitter. Criteria: ACMG Guidelines, 2015. Collection method: not provided. Allele origin: germline. Inheritance: Autosomal recessive inheritance. Affected: yes.

NM_021076.4(NEFH):c.1739C>T (p.Ser580Phe)

Gene: NEFH (neurofilament heavy chain; plus strand). Cytogenetic location: 22q12.2.
Variant type: single nucleotide variant.
Coding change: c.1739C>T on transcript NM_021076.4 (MANE Select); coding-DNA position 1739, C replaced by T.
Protein change: p.Ser580Phe; replaces serine 580 with phenylalanine.
Molecular consequence: missense variant.
Genome position (GRCh38, 1-based): chr22:29,489,379, C>T. VCF-style: chr22-29489379-C-T. GRCh37 (hg19) VCF-style: chr22-29885368-C-T.
Other names: short protein forms S580F.
Identifiers: ClinVar variation 1626630 (VCV001626630.12), dbSNP rs115072194, ClinGen allele CA10174268.
Genomic context (GRCh38, chr22:29,489,379, plus strand): 5'-CACCGCCTGAGGCCAAGTCCCCAGAGAAGGAGGAAGCAAAATCTCCAGCTGAGGTCAAGT[C>T]CCCCGAGAAGGCCAAGTCCCCAGCAAAGGAAGAGGCAAAGTCACCGGCTGAGGCCAAGTC-3'
Protein context (NP_066554.2, residues 570-590): EEAKSPAEVK[Ser580Phe]PEKAKSPAKE